The following is an entry in ClinVar:

NM_031483.7(ITCH):c.2416+3A>G

Gene: ITCH (itchy E3 ubiquitin protein ligase; plus strand). Cytogenetic location: 20q11.22.
Variant type: single nucleotide variant.
Coding change: c.2416+3A>G on transcript NM_031483.7 (MANE Select); 3 bases into the intron after coding-DNA position 2416, A replaced by G.
Molecular consequence: intron variant.
Genome position (GRCh38, 1-based): chr20:34,492,600, A>G. VCF-style: chr20-34492600-A-G. GRCh37 (hg19) VCF-style: chr20-33080405-A-G.
Other names: c.2539+3A>G (NM_001324197.2, NM_001257137.3); c.2416+3A>G (NM_001324198.2); c.2086+3A>G (NM_001257138.3).
Identifiers: ClinVar variation 956185 (VCV000956185.6), dbSNP rs1326022084, ClinGen allele CA635332580.

ClinVar aggregate classification (germline): Uncertain significance (1 of 4 stars; one submission).

Conditions:
Syndromic multisystem autoimmune disease due to ITCH deficiency. Also called: AUTOIMMUNE DISEASE, MULTISYSTEM, WITH FACIAL DYSMORPHISM. Identifiers: Orphanet 228426, MedGen C3150649, MONDO:0013245, OMIM 613385.

Allele frequency attached by ClinVar (database versions not stated): gnomAD exomes below 0.00001.

Submission:

Labcorp Genetics (formerly Invitae), Labcorp
Classification: Uncertain significance for Syndromic multisystem autoimmune disease due to ITCH deficiency. Last evaluated: 2019-09-12. Review status: criteria provided, single submitter. Criteria: Invitae Variant Classification Sherloc (09022015). Collection method: clinical testing. Allele origin: germline.
Comment: This sequence change falls in intron 23 of the ITCH gene. It does not directly change the encoded amino acid sequence of the ITCH protein, but it affects a nucleotide within the consensus splice site of the intron. This variant is not present in population databases (ExAC no frequency). This variant has not been reported in the literature in individuals with ITCH-related conditions. Nucleotide substitutions within the consensus splice site are a relatively common cause of aberrant splicing (PMID: 17576681, 9536098). Algorithms developed to predict the effect of sequence changes on RNA splicing suggest that this variant may disrupt the consensus splice site, but this prediction has not been confirmed by published transcriptional studies. In summary, the available evidence is currently insufficient to determine the role of this variant in disease. Therefore, it has been classified as a Variant of Uncertain Significance.

Literature cited by the submitters: PubMed 17576681; PubMed 9536098.